The following is an entry in ClinVar:

NM_000256.3(MYBPC3):c.784A>G (p.Thr262Ala)

Gene: MYBPC3 (myosin binding protein C3; minus strand). Cytogenetic location: 11p11.2.
Variant type: single nucleotide variant.
Coding change: c.784A>G on transcript NM_000256.3 (MANE Select); coding-DNA position 784, A replaced by G.
Protein change: p.Thr262Ala; replaces threonine 262 with alanine.
Molecular consequence: missense variant.
Genome position (GRCh38, 1-based): chr11:47,347,894, T>C on the plus strand (A>G on the coding strand, the complement: MYBPC3 is on the minus strand). VCF-style: chr11-47347894-T-C. GRCh37 (hg19) VCF-style: chr11-47369445-T-C.
Other names: short protein forms T262A.
Identifiers: ClinVar variation 3071761 (VCV003071761.1), dbSNP rs1479922873, ClinGen allele CA380333940.
Genomic context (GRCh38, chr11:47,347,894, plus strand): 5'-AGGCCCTGAGGATGGCCACTCACGTGCGGCGGAAGGCTGATAGGAGGTCCAGGTCTCCGG[T>C]GCCCATGGCCTCTGGGTTCAAAGGGTGGAGAGATGGGGGAAGGGGCTTCAGAGGGGGCCG-3'
Protein context (NP_000247.2, residues 252-272): FNLTVHEAMG[Thr262Ala]GDLDLLSAFR

ClinVar aggregate classification (germline): Uncertain significance (1 of 4 stars; one submission).

Conditions:
Hypertrophic cardiomyopathy. Also called: HYPERTROPHIC MYOCARDIOPATHY. Identifiers: Orphanet 217569, MedGen C0007194, MeSH D002312, MONDO:0005045, HP:0001639.

Allele frequency attached by ClinVar (database versions not stated): TOPMed below 0.00001.

Submission:

All of Us Research Program, National Institutes of Health
Classification: Uncertain significance for Hypertrophic cardiomyopathy. Last evaluated: 2023-06-28. Review status: criteria provided, single submitter. Criteria: ACMG Guidelines, 2015. Collection method: clinical testing. Allele origin: germline. Inheritance: Autosomal dominant inheritance. Observed: 1 variant allele, 1 heterozygote.
Comment: This study involves interpretation of variants in research participants for the purpose of population health screening. Participant phenotype was not available at the time of variant classification. Additional details can be found in publication PMID: 35346344, PMCID: PMC8962531